The following is an entry in ClinVar:

ClinVar aggregate classification (germline): Pathogenic (1 of 4 stars; one submission).

Submission:

ISCA site 4
Classification: Pathogenic. Last evaluated: 2011-08-12. Review status: criteria provided, single submitter. Criteria: Kaminsky et al. (Genet Med. 2011). Collection method: clinical testing. Allele origin: paternal. Affected: yes. Observed: 1 variant allele.
Comment: Copy number variation identified through the course of routine clinical cytogenomic testing in postnatal populations. Clinical assertions have been curated as described in Kaminsky et al. 2011.

GRCh38/hg38 11p11.2(chr11:46840454-48643003)x1

Genes: LRP4 (LDL receptor related protein 4; minus strand), LRP4-AS1 (LRP4 antisense RNA 1; plus strand), MADD (MAP kinase activating death domain; plus strand), MADD-AS1 (MADD antisense RNA 1; minus strand), MIR3161 (microRNA 3161; plus strand) and 85 more. Cytogenetic location: 11p11.2.
Variant type: copy number loss.
Change: copy number 1 (one copy instead of two) of chr11:46,840,454-48,643,003 (1.80 Mb, GRCh38 coordinates, 1-based), cytogenetic band 11p11.2.
Identifiers: ClinVar variation 57329 (VCV000057329.1).